The following is an entry in ClinVar:

ClinVar aggregate classification (germline): Uncertain significance. Review status: criteria provided, multiple submitters, no conflicts (2 of 4 stars). 3 submissions from 3 submitters: Uncertain significance (3). Last evaluated 2023-04-11.

Conditions:
Hereditary insensitivity to pain with anhidrosis (CIPA). Also called: HSAN Type IV; hereditary sensory and autonomic neuropathy type 4; INSENSITIVITY TO PAIN, CONGENITAL, WITH ANHIDROSIS; NEUROPATHY, CONGENITAL SENSORY, WITH ANHIDROSIS; NTRK1 Congenital Insensitivity to Pain with Anhidrosis; FAMILIAL DYSAUTONOMIA, TYPE II. Identifiers: Orphanet 642, MedGen C0020074, MONDO:0009746, OMIM 256800.

Allele frequency attached by ClinVar (database versions not stated): gnomAD exomes below 0.00001; ExAC 0.00001.

Submissions (3):

Genome-Nilou Lab
Classification: Uncertain significance for Hereditary insensitivity to pain with anhidrosis. Last evaluated: 2023-04-11. Review status: criteria provided, single submitter. Criteria: ACMG Guidelines, 2015. Collection method: clinical testing. Allele origin: germline. Affected: no.

Mendelics
Classification: Uncertain significance for Hereditary insensitivity to pain with anhidrosis. Last evaluated: 2019-05-28. Review status: criteria provided, single submitter. Criteria: Mendelics Assertion Criteria 2017. Collection method: clinical testing. Allele origin: unknown.

Labcorp Genetics (formerly Invitae), Labcorp
Classification: Uncertain significance for Hereditary insensitivity to pain with anhidrosis. Last evaluated: 2018-12-02. Review status: criteria provided, single submitter. Criteria: Invitae Variant Classification Sherloc (09022015). Collection method: clinical testing. Allele origin: germline.
Comment: This sequence change replaces threonine with serine at codon 114 of the NTRK1 protein (p.Thr114Ser). The threonine residue is moderately conserved and there is a small physicochemical difference between threonine and serine. This variant is present in population databases (rs202161010, ExAC 0.002%). In summary, the available evidence is currently insufficient to determine the role of this variant in disease. Therefore, it has been classified as a Variant of Uncertain Significance. Algorithms developed to predict the effect of sequence changes on RNA splicing suggest that this variant may create or strengthen a splice site, but this prediction has not been confirmed by published transcriptional studies. Algorithms developed to predict the effect of missense changes on protein structure and function (SIFT, PolyPhen-2, Align-GVGD) all suggest that this variant is likely to be tolerated, but these predictions have not been confirmed by published functional studies and their clinical significance is uncertain. This variant has not been reported in the literature in individuals with NTRK1-related conditions. ClinVar contains an entry for this variant (Variation ID: 584594).

NM_002529.4(NTRK1):c.341C>G (p.Thr114Ser)

Gene: NTRK1 (neurotrophic receptor tyrosine kinase 1; plus strand). Cytogenetic location: 1q23.1.
Variant type: single nucleotide variant.
Coding change: c.341C>G on transcript NM_002529.4 (MANE Select); coding-DNA position 341, C replaced by G.
Protein change: p.Thr114Ser; replaces threonine 114 with serine.
Molecular consequence: missense variant.
Genome position (GRCh38, 1-based): chr1:156,864,781, C>G. VCF-style: chr1-156864781-C-G. GRCh37 (hg19) VCF-style: chr1-156834573-C-G.
Other names: c.251C>G, p.Thr84Ser (NM_001007792.1); c.341C>G, p.Thr114Ser (NM_001012331.2); short protein forms T114S, T84S.
Identifiers: ClinVar variation 584594 (VCV000584594.12), dbSNP rs202161010, ClinGen allele CA1168916.
Genomic context (GRCh38, chr1:156,864,781, plus strand): 5'-TCCCCAGCACCATCGTGAAGAGTGGTCTCCGTTTCGTGGCGCCAGATGCCTTCCATTTCA[C>G]TCCTCGGCTCAGTCGCCTGTGAGTGTGGCCAGTGCTGGGCAGTGGGAGTTGGGGAGGACA-3'
Protein context (NP_002520.2, residues 104-124): RFVAPDAFHF[Thr114Ser]PRLSRLNLSF